The following is an entry in ClinVar:

ClinVar aggregate classification (germline): Uncertain significance. Review status: criteria provided, multiple submitters, no conflicts (2 of 4 stars). 3 submissions from 3 submitters: Uncertain significance (2). 1 of the submissions does not count toward it. Last evaluated 2026-01-22.

Conditions:
Dyskeratosis congenita, autosomal recessive 5 (DKCB5). Identifiers: MedGen C3554656, MONDO:0014076, OMIM 615190.
Pulmonary fibrosis and/or bone marrow failure, Telomere-related, 3. Also called: PULMONARY FIBROSIS AND/OR BONE MARROW FAILURE SYNDROME, TELOMERE-RELATED, 3. Identifiers: Orphanet 2032, MedGen C4225346, MONDO:0014613, OMIM 616373.
Dyskeratosis congenita. Identifiers: Orphanet 1775, MedGen C0265965, MONDO:0015780.

Allele frequency attached by ClinVar (database versions not stated): gnomAD 0.00002 and 0.00003; TOPMed 0.00003; gnomAD exomes 0.00005; ESP Exome Variant Server 0.00008; ExAC 0.00014; 1000 Genomes Project 0.00020; 1000 Genomes Project 30x 0.00031.
gnomAD v4.1: 52 of 1,563,132 alleles (0.0033%); highest among the groups gnomAD compares: East Asian, 0.012%; no homozygotes.

Submissions (3):

Labcorp Genetics (formerly Invitae), Labcorp
Classification: Uncertain significance for Dyskeratosis congenita, autosomal recessive 5; Pulmonary fibrosis and/or bone marrow failure, Telomere-related, 3. Last evaluated: 2026-01-22. Review status: criteria provided, single submitter. Criteria: Invitae Variant Classification Sherloc (09022015). Collection method: clinical testing. Allele origin: germline.
Comment: This sequence change replaces arginine, which is basic and polar, with tryptophan, which is neutral and slightly polar, at codon 844 of the RTEL1 protein (p.Arg844Trp). This variant is present in population databases (rs368297230, gnomAD 0.008%). This variant has not been reported in the literature in individuals affected with RTEL1-related conditions. ClinVar contains an entry for this variant (Variation ID: 581550). An algorithm developed to predict the effect of missense changes on protein structure and function (PolyPhen-2) suggests that this variant is likely to be disruptive. In summary, the available evidence is currently insufficient to determine the role of this variant in disease. Therefore, it has been classified as a Variant of Uncertain Significance.

Blueprint Genetics
Classification: Uncertain significance. Last evaluated: 2019-10-31. Review status: criteria provided, single submitter. Criteria: ACMG Guidelines, 2015. Collection method: clinical testing. Allele origin: germline.

Natera, Inc.
Classification: Uncertain significance for Dyskeratosis congenita. Last evaluated: 2019-11-11. Review status: no assertion criteria provided. Collection method: clinical testing. Allele origin: germline. Not counted in ClinVar's aggregate classification.

NM_001283009.2(RTEL1):c.2530C>T (p.Arg844Trp)

Genes: RTEL1 (regulator of telomere elongation helicase 1; plus strand), RTEL1-TNFRSF6B (RTEL1-TNFRSF6B readthrough (NMD candidate); plus strand). Cytogenetic location: 20q13.33.
Variant type: single nucleotide variant.
Coding change: c.2530C>T on transcript NM_001283009.2 (MANE Select); coding-DNA position 2530, C replaced by T.
Protein change: p.Arg844Trp; replaces arginine 844 with tryptophan.
Molecular consequence: missense variant. On other transcripts: non-coding transcript variant (1).
Genome position (GRCh38, 1-based): chr20:63,690,921, C>T. VCF-style: chr20-63690921-C-T. GRCh37 (hg19) VCF-style: chr20-62322274-C-T.
Other names: c.1861C>T, p.Arg621Trp (NM_001283010.1); c.2530C>T, p.Arg844Trp (NM_016434.4); c.2602C>T, p.Arg868Trp (NM_032957.5); short protein forms R844W, R868W, R621W.
Identifiers: ClinVar variation 581550 (VCV000581550.9), dbSNP rs368297230, ClinGen allele CA9965383.